The following is an entry in ClinVar:

ClinVar aggregate classification (germline): Conflicting classifications of pathogenicity. Review status: criteria provided, conflicting classifications (1 of 4 stars). 3 submissions from 3 submitters: Uncertain significance (2); Likely benign (1). Last evaluated 2025-11-08.

Conditions:
Inborn genetic diseases. Identifiers: MedGen C0950123, MeSH D030342.
Infantile liver failure syndrome 2 (ILFS2). Identifiers: MedGen C3809651, MONDO:0014659, OMIM 616483.

Allele frequency attached by ClinVar (database versions not stated): gnomAD exomes 0.00002 and 0.00010; gnomAD 0.00003 and 0.00005; TOPMed 0.00003; ExAC 0.00005; 1000 Genomes Project 30x 0.00031; 1000 Genomes Project 0.00040.
gnomAD v4.1: 38 of 1,614,248 alleles (0.0024%); highest among the groups gnomAD compares: South Asian, 0.012%; no homozygotes.

Submissions (3):

Labcorp Genetics (formerly Invitae), Labcorp
Classification: Likely benign. Last evaluated: 2025-11-08. Review status: criteria provided, single submitter. Criteria: Invitae Variant Classification Sherloc (09022015). Collection method: clinical testing. Allele origin: germline.

Ambry Genetics
Classification: Uncertain significance for Inborn genetic diseases. Last evaluated: 2023-10-24. Review status: criteria provided, single submitter. Criteria: Ambry Variant Classification Scheme 2023. Collection method: clinical testing. Allele origin: germline.

Baylor Genetics
Classification: Uncertain significance for Infantile liver failure syndrome 2. Last evaluated: 2018-01-09. Review status: criteria provided, single submitter. Criteria: ACMG Guidelines, 2015. Collection method: clinical testing. Allele origin: paternal. Affected: yes.
Comment: This variant was determined to be of uncertain significance according to ACMG Guidelines, 2015 [PMID:25741868].

NM_015909.4(NBAS):c.6970C>T (p.Arg2324Cys)

Gene: NBAS (NBAS subunit of NRZ tethering complex; minus strand). Cytogenetic location: 2p24.3.
Variant type: single nucleotide variant.
Coding change: c.6970C>T on transcript NM_015909.4 (MANE Select); coding-DNA position 6970, C replaced by T.
Protein change: p.Arg2324Cys; replaces arginine 2324 with cysteine.
Molecular consequence: missense variant. On other transcripts: non-coding transcript variant (1).
Genome position (GRCh38, 1-based): chr2:15,167,194, G>A on the plus strand (C>T on the coding strand, the complement: NBAS is on the minus strand). VCF-style: chr2-15167194-G-A. GRCh37 (hg19) VCF-style: chr2-15307318-G-A.
Other names: c.6970C>T (NM_015909.2); short protein forms R2324C.
Identifiers: ClinVar variation 1032711 (VCV001032711.10), dbSNP rs553951049, ClinGen allele CA1534808.